The following is an entry in ClinVar:

ClinVar aggregate classification (germline): Uncertain significance (1 of 4 stars; one submission).

Conditions:
Neuropathy, hereditary sensory and autonomic, type 2A (HSAN2A). Also called: HSAN IIA; WNK1-Related HSAN2 (HSAN2A); ACROOSTEOLYSIS, GIACCAI TYPE; ACROOSTEOLYSIS, NEUROGENIC; MORVAN DISEASE; NEUROPATHY, CONGENITAL SENSORY. Identifiers: Orphanet 970, MedGen C2752089, MONDO:0024309, OMIM 201300.
Pseudohypoaldosteronism type 2C (PHA2C). Also called: Pseudohypoaldosteronism Type IIC. Identifiers: Orphanet 757, Orphanet 88940, MedGen C1840391, MONDO:0013778, OMIM 614492.

Submission:

Labcorp Genetics (formerly Invitae), Labcorp
Classification: Uncertain significance for Neuropathy, hereditary sensory and autonomic, type 2A; Pseudohypoaldosteronism type 2C. Last evaluated: 2024-08-28. Review status: criteria provided, single submitter. Criteria: Invitae Variant Classification Sherloc (09022015). Collection method: clinical testing. Allele origin: germline.
Comment: This sequence change replaces glutamine, which is neutral and polar, with lysine, which is basic and polar, at codon 1491 of the WNK1 protein (p.Gln1491Lys). This variant is not present in population databases (gnomAD no frequency). This variant has not been reported in the literature in individuals affected with WNK1-related conditions. Invitae Evidence Modeling of protein sequence and biophysical properties (such as structural, functional, and spatial information, amino acid conservation, physicochemical variation, residue mobility, and thermodynamic stability) indicates that this missense variant is not expected to disrupt WNK1 protein function with a negative predictive value of 95%. In summary, the available evidence is currently insufficient to determine the role of this variant in disease. Therefore, it has been classified as a Variant of Uncertain Significance.

NM_018979.4(WNK1):c.3715C>A (p.Gln1239Lys)

Gene: WNK1 (WNK lysine deficient protein kinase 1; plus strand). Cytogenetic location: 12p13.33.
Variant type: single nucleotide variant.
Coding change: c.3715C>A on transcript NM_018979.4 (MANE Select); coding-DNA position 3715, C replaced by A.
Protein change: p.Gln1239Lys; replaces glutamine 1239 with lysine.
Molecular consequence: missense variant.
Genome position (GRCh38, 1-based): chr12:883,825, C>A. VCF-style: chr12-883825-C-A. GRCh37 (hg19) VCF-style: chr12-992991-C-A.
Other names: c.4495C>A, p.Gln1499Lys (NM_001184985.2); c.2974C>A, p.Gln992Lys (NM_014823.3); c.4471C>A, p.Gln1491Lys (NM_213655.5); short protein forms Q1239K, Q1491K, Q1499K, Q992K.
Identifiers: ClinVar variation 3763070 (VCV003763070.2).